The following is an entry in ClinVar:

NM_021098.3(CACNA1H):c.7015C>T (p.Pro2339Ser)

Gene: CACNA1H (calcium voltage-gated channel subunit alpha1 H; plus strand). Cytogenetic location: 16p13.3.
Variant type: single nucleotide variant.
Coding change: c.7015C>T on transcript NM_021098.3 (MANE Select); coding-DNA position 7015, C replaced by T.
Protein change: p.Pro2339Ser; replaces proline 2339 with serine.
Molecular consequence: missense variant.
Genome position (GRCh38, 1-based): chr16:1,220,947, C>T. VCF-style: chr16-1220947-C-T. GRCh37 (hg19) VCF-style: chr16-1270947-C-T.
Other names: c.6997C>T, p.Pro2333Ser (NM_001005407.2); short protein forms P2333S, P2339S.
Identifiers: ClinVar variation 2930844 (VCV002930844.3), dbSNP rs995882071, ClinGen allele CA394151580.

ClinVar aggregate classification (germline): Uncertain significance (1 of 4 stars; one submission).

Conditions:
Idiopathic generalized epilepsy. Also called: EIG; Generalised epilepsy. Identifiers: MedGen C0270850, MONDO:0005579, OMIM 600669.
Hyperaldosteronism, familial, type IV (HALD4). Also called: FH IV; ALDOSTERONISM, PRIMARY, AND HYPERTENSION. Identifiers: Orphanet 642671, MedGen C4310756, MONDO:0014875, OMIM 617027.

gnomAD v4.1: 12 of 1,606,792 alleles (0.00075%); highest among the groups gnomAD compares: African/African-American, 0.0013%; no homozygotes.

Submission:

Labcorp Genetics (formerly Invitae), Labcorp
Classification: Uncertain significance for Idiopathic generalized epilepsy; Hyperaldosteronism, familial, type IV. Last evaluated: 2023-06-25. Review status: criteria provided, single submitter. Criteria: Invitae Variant Classification Sherloc (09022015). Collection method: clinical testing. Allele origin: germline.
Comment: In summary, the available evidence is currently insufficient to determine the role of this variant in disease. Therefore, it has been classified as a Variant of Uncertain Significance. Advanced modeling of protein sequence and biophysical properties (such as structural, functional, and spatial information, amino acid conservation, physicochemical variation, residue mobility, and thermodynamic stability) performed at Invitae indicates that this missense variant is not expected to disrupt CACNA1H protein function. This variant has not been reported in the literature in individuals affected with CACNA1H-related conditions. This variant is not present in population databases (gnomAD no frequency). This sequence change replaces proline, which is neutral and non-polar, with serine, which is neutral and polar, at codon 2339 of the CACNA1H protein (p.Pro2339Ser).